The following is an entry in ClinVar:

ClinVar aggregate classification (germline): Benign/Likely benign. Review status: criteria provided, multiple submitters, no conflicts (2 of 4 stars). 10 submissions from 10 submitters: Benign (4); Likely benign (5). 1 of the submissions does not count toward it. Last evaluated 2026-02-02.

Conditions:
Hermansky-Pudlak syndrome (HPS). Also called: ALBINISM WITH HEMORRHAGIC DIATHESIS AND PIGMENTED RETICULOENDOTHELIAL CELLS. Identifiers: Orphanet 79430, MedGen C0079504, MONDO:0019312.
Hermansky-Pudlak syndrome 1 (HPS1). Also called: DELTA STORAGE POOL DISEASE. Identifiers: Orphanet 231500, Orphanet 79430, MedGen C2931875, MONDO:0008748, OMIM 203300.

Allele frequency attached by ClinVar (database versions not stated): ExAC 0.00101; 1000 Genomes Project 30x 0.00281; gnomAD 0.00284 and 0.00297; 1000 Genomes Project 0.00300; ESP Exome Variant Server 0.00308; TOPMed 0.00312; gnomAD exomes 0.00033 and 0.00079.

Submissions (10):

Labcorp Genetics (formerly Invitae), Labcorp
Classification: Benign. Last evaluated: 2026-02-02. Review status: criteria provided, single submitter. Criteria: Invitae Variant Classification Sherloc (09022015). Collection method: clinical testing. Allele origin: germline.

Mayo Clinic Laboratories, Mayo Clinic
Classification: Likely benign. Last evaluated: 2025-05-09. Review status: criteria provided, single submitter. Criteria: ACMG Guidelines, 2015. Collection method: clinical testing. Allele origin: germline. Observed: 3 variant alleles.
Comment: BS1, BP4, BP7

Blueprint Genetics
Classification: Likely benign. Last evaluated: 2024-10-16. Review status: criteria provided, single submitter. Criteria: ACMG Guidelines, 2015. Collection method: clinical testing. Allele origin: germline.

Fulgent Genetics
Classification: Likely benign for Hermansky-Pudlak syndrome 1. Last evaluated: 2021-09-20. Review status: criteria provided, single submitter. Criteria: ACMG Guidelines, 2015. Collection method: clinical testing. Allele origin: unknown.

Genome-Nilou Lab
Classification: Benign for Hermansky-Pudlak syndrome 1. Last evaluated: 2021-05-18. Review status: criteria provided, single submitter. Criteria: ACMG Guidelines, 2015. Collection method: clinical testing. Allele origin: germline. Affected: no.

Illumina Laboratory Services, Illumina
Classification: Likely benign for Hermansky-Pudlak syndrome 1. Last evaluated: 2018-01-13. Review status: criteria provided, single submitter. Criteria: ICSL Variant Classification Criteria 13 December 2019. Collection method: clinical testing. Allele origin: germline.
Comment: This variant was observed in the ICSL laboratory as part of a predisposition screen in an ostensibly healthy population. It had not been previously curated by ICSL or reported in the Human Gene Mutation Database (HGMD: prior to June 1st, 2018), and was therefore a candidate for classification through an automated scoring system. Utilizing variant allele frequency, disease prevalence and penetrance estimates, and inheritance mode, an automated score was calculated to assess if this variant is too frequent to cause the disease. Based on the score and internal cut-off values, a variant classified as likely benign is not then subjected to further curation. The score for this variant resulted in a classification of likely benign for this disease.

Eurofins Ntd Llc (ga)
Classification: Benign. Last evaluated: 2014-02-26. Review status: criteria provided, single submitter. Criteria: EGL Classification Definitions 2015. Collection method: clinical testing. Allele origin: germline. Observed: 1 variant allele, 1 heterozygote.

Breakthrough Genomics
Classification: Likely benign. Review status: criteria provided, single submitter. Criteria: ACMG Guidelines, 2015. Collection method: not provided. Allele origin: germline. Inheritance: Autosomal recessive inheritance. Affected: yes.

PreventionGenetics, part of Exact Sciences
Classification: Benign. Review status: criteria provided, single submitter. Criteria: ACMG Guidelines, 2015. Collection method: clinical testing. Allele origin: germline.

Natera, Inc.
Classification: Benign for Hermansky-Pudlak syndrome. Last evaluated: 2020-09-16. Review status: no assertion criteria provided. Collection method: clinical testing. Allele origin: germline. Not counted in ClinVar's aggregate classification.

NM_000195.5(HPS1):c.1683C>T (p.Cys561=)

Gene: HPS1 (HPS1 biogenesis of lysosomal organelles complex 3 subunit 1; minus strand). Cytogenetic location: 10q24.2.
Variant type: single nucleotide variant.
Coding change: c.1683C>T on transcript NM_000195.5 (MANE Select); coding-DNA position 1683, C replaced by T.
Protein change: p.Cys561=; no amino-acid change (cysteine 561 retained).
Molecular consequence: synonymous variant.
Genome position (GRCh38, 1-based): chr10:98,422,429, G>A on the plus strand (C>T on the coding strand, the complement: HPS1 is on the minus strand). VCF-style: chr10-98422429-G-A. GRCh37 (hg19) VCF-style: chr10-100182186-G-A.
Other names: p.Cys561=; c.711C>T, p.Cys237= (NM_001311345.2, NM_001322487.2, NM_001322489.2); c.1683C>T, p.Cys561= (NM_001322476.2, NM_001322477.2); c.1584C>T, p.Cys528= (NM_001322478.2, NM_001322479.2); c.1422C>T, p.Cys474= (NM_001322480.2, NM_001322481.2); c.1323C>T, p.Cys441= (NM_001322482.2); c.1314C>T, p.Cys438= (NM_001322483.2, NM_001322484.2); c.1215C>T, p.Cys405= (NM_001322485.2).
Identifiers: ClinVar variation 167183 (VCV000167183.25), dbSNP rs112337765, ClinGen allele CA180120.